The following is an entry in ClinVar:

ClinVar aggregate classification (germline): Uncertain significance. Review status: criteria provided, multiple submitters, no conflicts (2 of 4 stars). 2 submissions from 2 submitters: Uncertain significance (2). Last evaluated 2025-01-01.

Conditions:
Severe combined immunodeficiency due to DNA-PKcs deficiency. Also called: Immunodeficiency 26 with or without neurologic abnormalities; IMMUNODEFICIENCY 26 WITH NEUROLOGIC ABNORMALITIES. Identifiers: Orphanet 317425, MedGen C4014833, MONDO:0014423, OMIM 615966.

Allele frequency attached by ClinVar (database versions not stated): gnomAD exomes below 0.00001; TOPMed below 0.00001; ExAC 0.00001.
gnomAD v4.1: 1 of 1,583,746 alleles (0.000063%); highest among the groups gnomAD compares: Non-Finnish European, 0.000086%; no homozygotes.

Submissions (2):

Labcorp Genetics (formerly Invitae), Labcorp
Classification: Uncertain significance for Severe combined immunodeficiency due to DNA-PKcs deficiency. Last evaluated: 2025-01-01. Review status: criteria provided, single submitter. Criteria: Invitae Variant Classification Sherloc (09022015). Collection method: clinical testing. Allele origin: germline.
Comment: This sequence change replaces glutamine, which is neutral and polar, with histidine, which is basic and polar, at codon 720 of the PRKDC protein (p.Gln720His). This variant is present in population databases (rs772649454, gnomAD 0.001%). This variant has not been reported in the literature in individuals affected with PRKDC-related conditions. ClinVar contains an entry for this variant (Variation ID: 1786909). Invitae Evidence Modeling of protein sequence and biophysical properties (such as structural, functional, and spatial information, amino acid conservation, physicochemical variation, residue mobility, and thermodynamic stability) indicates that this missense variant is expected to disrupt PRKDC protein function with a positive predictive value of 80%. In summary, the available evidence is currently insufficient to determine the role of this variant in disease. Therefore, it has been classified as a Variant of Uncertain Significance.

Ambry Genetics
Classification: Uncertain significance. Last evaluated: 2022-09-08. Review status: criteria provided, single submitter. Criteria: Ambry Variant Classification Scheme 2023. Collection method: clinical testing. Allele origin: germline.
Comment: The p.Q720H variant (also known as c.2160G>C), located in coding exon 20 of the PRKDC gene, results from a G to C substitution at nucleotide position 2160. The glutamine at codon 720 is replaced by histidine, an amino acid with highly similar properties. This amino acid position is conserved. In addition, this alteration is predicted to be tolerated by in silico analysis. Since supporting evidence is limited at this time, the clinical significance of this alteration remains unclear.

NM_006904.7(PRKDC):c.2160G>C (p.Gln720His)

Gene: PRKDC (protein kinase, DNA-activated, catalytic subunit; minus strand). Cytogenetic location: 8q11.21.
Variant type: single nucleotide variant.
Coding change: c.2160G>C on transcript NM_006904.7 (MANE Select); coding-DNA position 2160, G replaced by C.
Protein change: p.Gln720His; replaces glutamine 720 with histidine.
Molecular consequence: missense variant.
Genome position (GRCh38, 1-based): chr8:47,927,870, C>G on the plus strand (G>C on the coding strand, the complement: PRKDC is on the minus strand). VCF-style: chr8-47927870-C-G. GRCh37 (hg19) VCF-style: chr8-48840430-C-G.
Other names: c.2160G>C, p.Gln720His (NM_001081640.2); short protein forms Q720H.
Identifiers: ClinVar variation 1786909 (VCV001786909.4), dbSNP rs772649454, ClinGen allele CA4741521.